The following is an entry in ClinVar:

ClinVar aggregate classification (germline): Conflicting classifications of pathogenicity. Review status: criteria provided, conflicting classifications (1 of 4 stars). 3 submissions from 3 submitters: Uncertain significance (1); Likely benign (2). Last evaluated 2026-01-09.

Conditions:
Autosomal recessive polycystic kidney disease (ARPKD). Also called: AR polycystic kidney disease. Identifiers: Orphanet 731, Orphanet 8378, MedGen C0085548, MeSH D017044, MONDO:0009889.
PKHD1-related disorder. Also called: PKHD1-related condition.

Allele frequency attached by ClinVar (database versions not stated): TOPMed 0.00004; ESP Exome Variant Server 0.00008; 1000 Genomes Project 30x 0.00016; gnomAD 0.00019 and 0.00020; 1000 Genomes Project 0.00020; ExAC 0.00028.
gnomAD v4.1: 218 of 1,613,404 alleles (0.014%); highest among the groups gnomAD compares: Admixed American, 0.005%; no homozygotes.

Submissions (3):

Labcorp Genetics (formerly Invitae), Labcorp
Classification: Likely benign for Autosomal recessive polycystic kidney disease. Last evaluated: 2026-01-09. Review status: criteria provided, single submitter. Criteria: Invitae Variant Classification Sherloc (09022015). Collection method: clinical testing. Allele origin: germline.

PreventionGenetics, part of Exact Sciences
Classification: Likely benign for PKHD1-related condition. Last evaluated: 2025-11-24. Review status: criteria provided, single submitter. Criteria: ACMG Guidelines, 2015. Collection method: clinical testing. Allele origin: germline.
Comment: This variant is classified as likely benign based on ACMG/AMP sequence variant interpretation guidelines (Richards et al. 2015 PMID: 25741868, with internal and published modifications).

Mayo Clinic Laboratories, Mayo Clinic
Classification: Uncertain significance. Last evaluated: 2023-10-05. Review status: criteria provided, single submitter. Criteria: ACMG Guidelines, 2015. Collection method: clinical testing. Allele origin: germline. Observed: 1 variant allele.
Comment: BP4

NM_138694.4(PKHD1):c.5777G>A (p.Arg1926Gln)

Gene: PKHD1 (PKHD1 ciliary IPT domain containing fibrocystin/polyductin; minus strand). Cytogenetic location: 6p12.2.
Variant type: single nucleotide variant.
Coding change: c.5777G>A on transcript NM_138694.4 (MANE Select); coding-DNA position 5777, G replaced by A.
Protein change: p.Arg1926Gln; replaces arginine 1926 with glutamine.
Molecular consequence: missense variant.
Genome position (GRCh38, 1-based): chr6:51,960,001, C>T on the plus strand (G>A on the coding strand, the complement: PKHD1 is on the minus strand). VCF-style: chr6-51960001-C-T. GRCh37 (hg19) VCF-style: chr6-51824799-C-T.
Other names: p.Arg1926Gln; c.5777G>A, p.Arg1926Gln (NM_170724.3); c.5777G>A (NM_138694.3); short protein forms R1926Q.
Identifiers: ClinVar variation 1088397 (VCV001088397.11), dbSNP rs199598712, ClinGen allele CA3852423.